The following is an entry in ClinVar:

NM_014244.5(ADAMTS2):c.1612_1613del (p.Met538fs)

Gene: ADAMTS2 (ADAM metallopeptidase with thrombospondin type 1 motif 2; minus strand). Cytogenetic location: 5q35.3.
Variant type: Deletion.
Coding change: c.1612_1613del on transcript NM_014244.5 (MANE Select); coding-DNA positions 1612 to 1613, 2 bases deleted (AT; older notation c.1612_1613delAT).
Protein change: p.Met538fs; shifts the reading frame from methionine 538.
Molecular consequence: frameshift variant.
Genome position (GRCh38, 1-based): chr5:179,152,158-179,152,159, AT deleted on the plus strand (AT on the coding strand, the reverse complement: ADAMTS2 is on the minus strand); deleting any 2 consecutive bases within chr5:179,152,158-179,152,160 gives the same sequence; the c. name uses the placement nearest the transcript's 3' end. VCF-style (leftmost placement, unchanged base first): chr5-179152157-CAT-C. GRCh37 (hg19) VCF-style: chr5-178579158-CAT-C.
Other names: c.1612_1613del, p.Met538fs (NM_021599.4); short protein forms M538fs.
Identifiers: ClinVar variation 2033315 (VCV002033315.4), dbSNP rs2480234536, ClinGen allele CA2580074090.

ClinVar aggregate classification (germline): Pathogenic (1 of 4 stars; one submission).

Conditions:
Ehlers-Danlos syndrome, dermatosparaxis type. Also called: EDS VIIC; Dermatosparaxis; Ehlers-Danlos syndrome, type VII, autosomal recessive. Identifiers: Orphanet 1901, MedGen C2700425, MONDO:0009161, OMIM 225410.

Submission:

Labcorp Genetics (formerly Invitae), Labcorp
Classification: Pathogenic for Ehlers-Danlos syndrome, dermatosparaxis type. Last evaluated: 2022-09-29. Review status: criteria provided, single submitter. Criteria: Invitae Variant Classification Sherloc (09022015). Collection method: clinical testing. Allele origin: germline.
Comment: This sequence change creates a premature translational stop signal (p.Met538Valfs*9) in the ADAMTS2 gene. It is expected to result in an absent or disrupted protein product. Loss-of-function variants in ADAMTS2 are known to be pathogenic (PMID: 10417273). For these reasons, this variant has been classified as Pathogenic. This variant has not been reported in the literature in individuals affected with ADAMTS2-related conditions. This variant is not present in population databases (gnomAD no frequency).

Literature cited by the submitters: PubMed 10417273.